The following is an entry in ClinVar:

ClinVar aggregate classification (germline): not provided (0 of 4 stars; one submission).

Conditions:
Blau syndrome (BLAUS). Also called: ARTHROCUTANEOUVEAL GRANULOMATOSIS; GRANULOMATOSIS, FAMILIAL JUVENILE SYSTEMIC; GRANULOMATOSIS, FAMILIAL, BLAU TYPE; GRANULOMATOUS INFLAMMATORY ARTHRITIS, DERMATITIS, AND UVEITIS, FAMILIAL; JABS SYNDROME. Identifiers: Orphanet 90340, MedGen C5201146, MONDO:0008523, OMIM 186580.

Submission:

Unité médicale des maladies autoinflammatoires, CHRU Montpellier
No classification provided. Condition: Sarcoidosis, early-onset. Review status: no classification provided. Collection method: not provided. Allele origin: unknown.
Comment: also involved in OMIM 186580 and 266600

NM_001370466.1(NOD2):c.2139C>T (p.Ile713=)

Gene: NOD2 (nucleotide binding oligomerization domain containing 2; plus strand). Cytogenetic location: 16q12.1.
Variant type: single nucleotide variant.
Coding change: c.2139C>T on transcript NM_001370466.1 (MANE Select); coding-DNA position 2139, C replaced by T.
Protein change: p.Ile713=; no amino-acid change (isoleucine 713 retained).
Molecular consequence: synonymous variant. On other transcripts: non-coding transcript variant (1).
Genome position (GRCh38, 1-based): chr16:50,712,131, C>T. VCF-style: chr16-50712131-C-T. GRCh37 (hg19) VCF-style: chr16-50746042-C-T.
Other names: c.2220C>T (LRG_177t1); c.2139C>T, p.Ile713= (NM_001293557.2); c.2220C>T, p.Ile740= (NM_022162.3).
Identifiers: ClinVar variation 97846 (VCV000097846.1), dbSNP rs104895441, ClinGen allele CA150250.